The following is an entry in ClinVar:

NM_002335.4(LRP5):c.670C>A (p.Leu224Met)

Gene: LRP5 (LDL receptor related protein 5; plus strand). Cytogenetic location: 11q13.2.
Variant type: single nucleotide variant.
Coding change: c.670C>A on transcript NM_002335.4 (MANE Select); coding-DNA position 670, C replaced by A.
Protein change: p.Leu224Met; replaces leucine 224 with methionine.
Molecular consequence: missense variant. On other transcripts: 5 prime UTR variant (1).
Genome position (GRCh38, 1-based): chr11:68,357,831, C>A. VCF-style: chr11-68357831-C-A. GRCh37 (hg19) VCF-style: chr11-68125299-C-A.
Other names: c.670C>A (NM_002335.2); c.-1096C>A (NM_001291902.2); short protein forms L224M.
Identifiers: ClinVar variation 1974608 (VCV001974608.3), dbSNP rs201681766, ClinGen allele CA224276744.

ClinVar aggregate classification (germline): Uncertain significance. Review status: criteria provided, multiple submitters, no conflicts (2 of 4 stars). 2 submissions from 2 submitters: Uncertain significance (2). Last evaluated 2025-08-29.

Conditions:
Inborn genetic diseases. Identifiers: MedGen C0950123, MeSH D030342.

Allele frequency attached by ClinVar (database versions not stated): gnomAD exomes below 0.00001; TOPMed below 0.00001; gnomAD 0.00001; ESP Exome Variant Server 0.00008.
gnomAD v4.1: 8 of 1,612,694 alleles (0.0005%); highest among the groups gnomAD compares: Middle Eastern, 0.017%; no homozygotes.

Submissions (2):

Ambry Genetics
Classification: Uncertain significance for Inborn genetic diseases. Last evaluated: 2025-08-29. Review status: criteria provided, single submitter. Criteria: Ambry Variant Classification Scheme 2023. Collection method: clinical testing. Allele origin: germline.

Labcorp Genetics (formerly Invitae), Labcorp
Classification: Uncertain significance. Last evaluated: 2022-10-29. Review status: criteria provided, single submitter. Criteria: Invitae Variant Classification Sherloc (09022015). Collection method: clinical testing. Allele origin: germline.
Comment: This sequence change replaces leucine, which is neutral and non-polar, with methionine, which is neutral and non-polar, at codon 224 of the LRP5 protein (p.Leu224Met). This variant is present in population databases (rs201681766, gnomAD 0.007%). This variant has not been reported in the literature in individuals affected with LRP5-related conditions. Advanced modeling of protein sequence and biophysical properties (such as structural, functional, and spatial information, amino acid conservation, physicochemical variation, residue mobility, and thermodynamic stability) has been performed at Invitae for this missense variant, however the output from this modeling did not meet the statistical confidence thresholds required to predict the impact of this variant on LRP5 protein function. In summary, the available evidence is currently insufficient to determine the role of this variant in disease. Therefore, it has been classified as a Variant of Uncertain Significance.